The following is an entry in ClinVar:

NM_021155.4(CD209):c.662G>A (p.Arg221Gln)

Gene: CD209 (CD209 molecule; minus strand). Cytogenetic location: 19p13.2.
Variant type: single nucleotide variant.
Coding change: c.662G>A on transcript NM_021155.4 (MANE Select); coding-DNA position 662, G replaced by A.
Protein change: p.Arg221Gln; replaces arginine 221 with glutamine.
Molecular consequence: missense variant. On other transcripts: non-coding transcript variant (1), intron variant (3).
Genome position (GRCh38, 1-based): chr19:7,745,604, C>T on the plus strand (G>A on the coding strand, the complement: CD209 is on the minus strand). VCF-style: chr19-7745604-C-T. GRCh37 (hg19) VCF-style: chr19-7810490-C-T.
Other names: c.530G>A, p.Arg177Gln (NM_001144894.2); c.590G>A, p.Arg197Gln (NM_001144896.2); c.662G>A, p.Arg221Gln (NM_001144897.2); c.340+190G>A (NM_001144893.2); c.265+397G>A (NM_001144899.2); c.472+190G>A (NM_001144895.2); short protein forms R177Q, R197Q, R221Q.
Identifiers: ClinVar variation 3038490 (VCV003038490.2), dbSNP rs41335247, ClinGen allele CA9146006.

ClinVar aggregate classification (germline): Benign (0 of 4 stars; one submission).

Conditions:
CD209-related disorder. Also called: CD209-related condition.

Allele frequency attached by ClinVar (database versions not stated): gnomAD exomes 0.00032; ExAC 0.00257; gnomAD 0.01276; 1000 Genomes Project 0.03454; ESP Exome Variant Server 0.03685.
gnomAD v4.1: 1,962 of 617,018 alleles (0.32%); highest among the groups gnomAD compares: African/African-American, 4%; 7 homozygotes.

Submission:

PreventionGenetics, part of Exact Sciences
Classification: Benign for CD209-related condition. Last evaluated: 2019-10-31. Review status: no assertion criteria provided. Collection method: clinical testing. Allele origin: germline.
Comment: This variant is classified as benign based on ACMG/AMP sequence variant interpretation guidelines (Richards et al. 2015 PMID: 25741868, with internal and published modifications).